The following is an entry in ClinVar:

ClinVar aggregate classification (germline): Pathogenic. Review status: no assertion criteria provided (0 of 4 stars). 2 submissions from 2 submitters: Pathogenic (2). Last evaluated 2024-05-31.

Conditions:
Hydatidiform mole, recurrent, 2 (HYDM2). Identifiers: Orphanet 254688, Orphanet 99927, MedGen C3280352, MONDO:0013671, OMIM 614293.
KHDC3L-related condition.

Submissions (2):

PreventionGenetics, part of Exact Sciences
Classification: Pathogenic for KHDC3L-related condition. Last evaluated: 2024-05-31. Review status: no assertion criteria provided. Collection method: clinical testing. Allele origin: germline.
Comment: The KHDC3L c.322_325delGACT variant is predicted to result in a frameshift and premature protein termination (p.Asp108Ilefs*30). This variant has been reported in the homozygous or compound heterozygous state in individuals with recurrent hydatidiform moles or pregnancy loss (Parry et al. 2011. PubMed ID: 21885028; Reddy et al. 2012. PubMed ID: 23232697; Fatemi et al. 2021. PubMed ID: 33639414). This variant is reported in 0.0065% of alleles in individuals of South Asian descent in gnomAD. Frameshift variants in KHDC3L are expected to be pathogenic. This variant is interpreted as pathogenic.

OMIM
Classification: Pathogenic for HYDATIDIFORM MOLE, RECURRENT, 2. Last evaluated: 2013-09-01. Review status: no assertion criteria provided. Collection method: literature only. Allele origin: germline.

Literature cited by the submitters: PubMed 21623199 (cited by OMIM); PubMed 21885028 (cited by OMIM); PubMed 19246479 (cited by OMIM); PubMed 23125094 (cited by OMIM); PubMed 23232697 (cited by OMIM).

NM_001017361.3(KHDC3L):c.322_325del (p.Asp108fs)

Gene: KHDC3L (KH domain containing 3 like, subcortical maternal complex member; plus strand). Cytogenetic location: 6q13.
Variant type: Deletion.
Coding change: c.322_325del on transcript NM_001017361.3 (MANE Select); coding-DNA positions 322 to 325, 4 bases deleted (GACT; older notation c.322_325delGACT).
Protein change: p.Asp108fs; shifts the reading frame from aspartic acid 108.
Molecular consequence: frameshift variant.
Genome position (GRCh38, 1-based): chr6:73,363,247-73,363,250, GACT deleted; deleting any 4 consecutive bases within chr6:73,363,245-73,363,250 gives the same sequence; the c. name uses the placement nearest the transcript's 3' end. VCF-style (leftmost placement, unchanged base first): chr6-73363244-GCTGA-G. GRCh37 (hg19) VCF-style: chr6-74072967-GCTGA-G.
Other names: c.322_325delGACT (NM_001017361.2); short protein forms D108fs.
Identifiers: ClinVar variation 30927 (VCV000030927.2), dbSNP rs606231234, ClinGen allele CA129537.
Genomic context (GRCh38, chr6:73,363,244, plus strand): 5'-ATCTTGGTATTTGGGAGGCCTTCTTACCAGGAGGACACAATCAAGATGATCATGAACCTG[GCTGA>G]CTATCACCGCCAGCTCCAGGCGAAAGGTACGGGGCTGGGAATAGGGCTACCTGGAGCAAA-3'